The following is an entry in ClinVar:

NM_000348.4(SRD5A2):c.16C>T (p.Gln6Ter)

Gene: SRD5A2 (steroid 5 alpha-reductase 2; minus strand). Cytogenetic location: 2p23.1.
Variant type: single nucleotide variant.
Coding change: c.16C>T on transcript NM_000348.4 (MANE Select); coding-DNA position 16, C replaced by T.
Protein change: p.Gln6Ter; replaces glutamine 6 with a stop codon.
Molecular consequence: nonsense.
Genome position (GRCh38, 1-based): chr2:31,580,885, G>A on the plus strand (C>T on the coding strand, the complement: SRD5A2 is on the minus strand). VCF-style: chr2-31580885-G-A. GRCh37 (hg19) VCF-style: chr2-31805954-G-A.
Other names: short protein forms Q6*.
Identifiers: ClinVar variation 436859 (VCV000436859.21), dbSNP rs9332960, ClinGen allele CA1600043.
Genomic context (GRCh38, chr2:31,580,885, plus strand): 5'-ACAAGGCCAGTGCCCCAAGGGCGACCAAAGTGGCGCTGCCTGCCAGCACTGGGCTCTGCT[G>A]GCACTGAACCTGCATCGCGCCGTGTTCCTCGCCGGTGGCCGCTGCCCTCCCAGAAGAGAG-3'

ClinVar aggregate classification (germline): Pathogenic. Review status: criteria provided, multiple submitters, no conflicts (2 of 4 stars). 8 submissions from 8 submitters: Pathogenic (6). 2 of the submissions do not count toward it. Last evaluated 2025-12-15.

Conditions:
3-Oxo-5 alpha-steroid delta 4-dehydrogenase deficiency (PPSH). Also called: PSEUDOVAGINAL PERINEOSCROTAL HYPOSPADIAS; FAMILIAL INCOMPLETE MALE PSEUDOHERMAPHRODITISM, TYPE 2; MALE PSEUDOHERMAPHRODITISM DUE TO 5-ALPHA-REDUCTASE DEFICIENCY; 46,XY disorder of sex development due to 5-alpha-reductase 2 deficiency. Identifiers: Orphanet 753, MedGen C0268297, MONDO:0009923, OMIM 264600. Disease mechanism: loss of function.
SRD5A2-related disorder. Also called: SRD5A2-related condition.

Allele frequency attached by ClinVar (database versions not stated): gnomAD 0.00001; ExAC 0.00002; 1000 Genomes Project 30x 0.00016; gnomAD exomes 0.00001 and 0.00002; TOPMed 0.00002; 1000 Genomes Project 0.00040.
gnomAD v4.1: 13 of 1,606,588 alleles (0.00081%); highest among the groups gnomAD compares: East Asian, 0.022%; no homozygotes.

Submissions (8):

3billion
Classification: Pathogenic for 3-Oxo-5 alpha-steroid delta 4-dehydrogenase deficiency. Last evaluated: 2025-12-15. Review status: criteria provided, single submitter. Criteria: ACMG Guidelines, 2015. Collection method: clinical testing. Allele origin: germline. Affected: yes.
Comment: The variant is observed at an extremely low frequency in the gnomAD v4.1.0 dataset (total allele frequency: <0.001%). Predicted Consequence/Location: Stop-gained (nonsense): predicted to result in a loss or disruption of normal protein function through nonsense-mediated decay (NMD) or protein truncation. Multiple pathogenic variants are reported downstream of the variant. The variant has been reported at least twice as pathogenic with clinical assertions and evidence for the classification (ClinVar ID: VCV000436859 /PMID: 12576851). Therefore, this variant is classified as Pathogenic according to the recommendation of ACMG/AMP guideline.

Labcorp Genetics (formerly Invitae), Labcorp
Classification: Pathogenic for 3-Oxo-5 alpha-steroid delta 4-dehydrogenase deficiency. Last evaluated: 2024-02-19. Review status: criteria provided, single submitter. Criteria: Invitae Variant Classification Sherloc (09022015). Collection method: clinical testing. Allele origin: germline.
Comment: This sequence change creates a premature translational stop signal (p.Gln6*) in the SRD5A2 gene. It is expected to result in an absent or disrupted protein product. Loss-of-function variants in SRD5A2 are known to be pathogenic (PMID: 1406794, 1944596). This variant is present in population databases (rs9332960, gnomAD 0.02%). This premature translational stop signal has been observed in individuals with steroid 5-alpha-reductase deficiency (PMID: 12576851, 18314109, 20190539, 21540559). ClinVar contains an entry for this variant (Variation ID: 436859). For these reasons, this variant has been classified as Pathogenic.

PreventionGenetics, part of Exact Sciences
Classification: Pathogenic for SRD5A2-related condition. Last evaluated: 2022-12-14. Review status: criteria provided, single submitter. Criteria: ACMG Guidelines, 2015. Collection method: clinical testing. Allele origin: germline.
Comment: The SRD5A2 c.16C>T variant is predicted to result in premature protein termination (p.Gln6*). This variant has been reported in many individuals with 46,XY disorder of sex development due to 5α-reductase type 2 deficiency (Nie M et al. 2011. PubMed ID: 20736251; Cheng. 2019. PubMed ID: 31031332 ). This variant is reported in 0.017% of alleles in individuals of East Asian descent in gnomAD. Nonsense variants in SRD5A2 are expected to be pathogenic. This variant is interpreted as pathogenic.

GeneDx
Classification: Pathogenic. Last evaluated: 2017-09-22. Review status: criteria provided, single submitter. Criteria: GeneDx Variant Classification (06012015). Collection method: clinical testing. Allele origin: germline. Affected: yes.
Comment: The Q6X nonsense variant in the SRD5A2 gene has been reported previously in both the compound heterozgyous and homozgyous state in association with 5-Alpha Reductase Deficiency type 2 (Sasaki et al., 2003; Wang et al., 2004; Sahakitrunguang et al., 2008; Nie et al., 2011; Zhu et al., 2014). This pathogenic variant is predicted to cause loss of normal protein function either through protein truncation or nonsense-mediated mRNA decay. In addition, the Q6X variant is not observed at a significant frequency in large population cohorts (Lek et al., 2016).

Genetic Services Laboratory, University of Chicago
Classification: Pathogenic for Pseudovaginal perineoscrotal hypospadias. Last evaluated: 2017-05-22. Review status: criteria provided, single submitter. Criteria: ACMG Guidelines, 2015. Collection method: clinical testing. Allele origin: germline. Affected: yes.

Juno Genomics, Hangzhou Juno Genomics, Inc
Classification: Pathogenic for 3-Oxo-5 alpha-steroid delta 4-dehydrogenase deficiency. Review status: criteria provided, single submitter. Criteria: ACMG Guidelines, 2015. Collection method: clinical testing. Allele origin: germline. Affected: yes.
Comment: Absent from controls (or at extremely low frequency if recessive) in Genome Aggregation Database, Exome Sequencing Project, 1000 Genomes Project, or Exome Aggregation Consortium.;Null variant in a gene where loss of function (LOF) is a known mechanism of disease.;For recessive disorders, detected in trans with a pathogenic variant.;Co-segregation with disease in multiple affected family members in a gene definitively known to cause the disease.;Patient's phenotype or family history is highly specific for a disease with a single genetic etiology.

Clinical Molecular Genetics Laboratory, Johns Hopkins All Children's Hospital
Classification: Pathogenic for 3-Oxo-5 alpha-steroid delta 4-dehydrogenase deficiency. Last evaluated: 2011-01-26. Review status: no assertion criteria provided. Collection method: clinical testing. Allele origin: germline. Affected: yes. Not counted in ClinVar's aggregate classification.

Seattle Children's Hospital Molecular Genetics Laboratory, Seattle Children's Hospital
Classification: Pathogenic for 3-Oxo-5 alpha-steroid delta 4-dehydrogenase deficiency. Review status: no assertion criteria provided. Collection method: clinical testing. Allele origin: germline. Affected: yes. Not counted in ClinVar's aggregate classification.

Literature cited by the submitters: PubMed 12576851 (cited by 3billion and Labcorp Genetics (formerly Invitae), Labcorp); PubMed 1406794 (cited by Labcorp Genetics (formerly Invitae), Labcorp); PubMed 1944596 (cited by Labcorp Genetics (formerly Invitae), Labcorp); PubMed 18314109 (cited by Labcorp Genetics (formerly Invitae), Labcorp); PubMed 20190539 (cited by Labcorp Genetics (formerly Invitae), Labcorp); PubMed 21540559 (cited by Labcorp Genetics (formerly Invitae), Labcorp).